The following is an entry in ClinVar:

NM_003888.4(ALDH1A2):c.1217A>G (p.Asn406Ser)

Gene: ALDH1A2 (aldehyde dehydrogenase 1 family member A2; minus strand). Cytogenetic location: 15q21.3.
Variant type: single nucleotide variant.
Coding change: c.1217A>G on transcript NM_003888.4 (MANE Select); coding-DNA position 1217, A replaced by G.
Protein change: p.Asn406Ser; replaces asparagine 406 with serine.
Molecular consequence: missense variant.
Genome position (GRCh38, 1-based): chr15:57,962,046, T>C on the plus strand (A>G on the coding strand, the complement: ALDH1A2 is on the minus strand). VCF-style: chr15-57962046-T-C. GRCh37 (hg19) VCF-style: chr15-58254244-T-C.
Other names: c.1154A>G, p.Asn385Ser (NM_001206897.2); c.1103A>G, p.Asn368Ser (NM_170696.3); c.929A>G, p.Asn310Ser (NM_170697.3); short protein forms N310S, N368S, N385S, N406S.
Identifiers: ClinVar variation 3341855 (VCV003341855.16).

ClinVar aggregate classification (germline): Uncertain significance (1 of 4 stars; one submission).

gnomAD v4.1: 34 of 1,614,142 alleles (0.0021%); highest among the groups gnomAD compares: African/African-American, 0.015%; no homozygotes.

Submission:

CeGaT Center for Human Genetics Tuebingen
Classification: Uncertain significance. Last evaluated: 2024-08-01. Review status: criteria provided, single submitter. Criteria: CeGaT Center For Human Genetics Tuebingen Variant Classification Criteria Version 2. Collection method: clinical testing. Allele origin: germline. Affected: yes. Observed: 1 variant allele.
Comment: ALDH1A2: PM2